The following is an entry in ClinVar:

ClinVar aggregate classification (germline): Uncertain significance (1 of 4 stars; one submission).

Conditions:
Xanthinuria type II. Also called: Xanthine dehydrogenase and aldehyde oxidase combined deficiency of; XDH and AOX dual deficiency. Identifiers: Orphanet 3467, Orphanet 93602, MedGen C1863688, MONDO:0011346, OMIM 603592.

Submission:

Labcorp Genetics (formerly Invitae), Labcorp
Classification: Uncertain significance for Xanthinuria type II. Last evaluated: 2024-11-23. Review status: criteria provided, single submitter. Criteria: Invitae Variant Classification Sherloc (09022015). Collection method: clinical testing. Allele origin: germline.
Comment: This sequence change replaces glycine, which is neutral and non-polar, with glutamic acid, which is acidic and polar, at codon 368 of the MOCOS protein (p.Gly368Glu). This variant is not present in population databases (gnomAD no frequency). This variant has not been reported in the literature in individuals affected with MOCOS-related conditions. Invitae Evidence Modeling of protein sequence and biophysical properties (such as structural, functional, and spatial information, amino acid conservation, physicochemical variation, residue mobility, and thermodynamic stability) indicates that this missense variant is not expected to disrupt MOCOS protein function with a negative predictive value of 80%. In summary, the available evidence is currently insufficient to determine the role of this variant in disease. Therefore, it has been classified as a Variant of Uncertain Significance.

NM_017947.4(MOCOS):c.1103G>A (p.Gly368Glu)

Gene: MOCOS (molybdenum cofactor sulfurase; plus strand). Cytogenetic location: 18q12.2.
Variant type: single nucleotide variant.
Coding change: c.1103G>A on transcript NM_017947.4 (MANE Select); coding-DNA position 1103, G replaced by A.
Protein change: p.Gly368Glu; replaces glycine 368 with glutamic acid.
Molecular consequence: missense variant.
Genome position (GRCh38, 1-based): chr18:36,205,161, G>A. VCF-style: chr18-36205161-G-A. GRCh37 (hg19) VCF-style: chr18-33785124-G-A.
Other names: short protein forms G368E.
Identifiers: ClinVar variation 3669010 (VCV003669010.2).